The following is an entry in ClinVar:

NM_000051.4(ATM):c.4382G>A (p.Trp1461Ter)

Gene: ATM (ATM serine/threonine kinase; plus strand). Cytogenetic location: 11q22.3.
Variant type: single nucleotide variant.
Coding change: c.4382G>A on transcript NM_000051.4 (MANE Select); coding-DNA position 4382, G replaced by A.
Protein change: p.Trp1461Ter; replaces tryptophan 1461 with a stop codon.
Molecular consequence: nonsense.
Genome position (GRCh38, 1-based): chr11:108,289,747, G>A. VCF-style: chr11-108289747-G-A. GRCh37 (hg19) VCF-style: chr11-108160474-G-A.
Other names: c.4382G>A, p.Trp1461Ter (NM_001351834.2); short protein forms W1461*.
Identifiers: ClinVar variation 4729223 (VCV004729223.1).

ClinVar aggregate classification (germline): Pathogenic (1 of 4 stars; one submission).

Conditions:
Ataxia-telangiectasia syndrome (AT). Also called: Cerebello-oculocutaneous telangiectasia; Immunodeficiency with ataxia telangiectasia; Ataxia-telangiectasia, complementation group E; LOUIS-BAR SYNDROME; AT, COMPLEMENTATION GROUP C; ATAXIA-TELANGIECTASIA, COMPLEMENTATION GROUP A. Identifiers: Orphanet 100, MedGen C0004135, MONDO:0008840, OMIM 208900.

Submission:

Labcorp Genetics (formerly Invitae), Labcorp
Classification: Pathogenic for Ataxia-telangiectasia syndrome. Last evaluated: 2025-11-25. Review status: criteria provided, single submitter. Criteria: Invitae Variant Classification Sherloc (09022015). Collection method: clinical testing. Allele origin: germline.
Comment: This sequence change creates a premature translational stop signal (p.Trp1461*) in the ATM gene. It is expected to result in an absent or disrupted protein product. Loss-of-function variants in ATM are known to be pathogenic (PMID: 23807571, 25614872). This variant is not present in population databases (gnomAD no frequency). This variant has not been reported in the literature in individuals affected with ATM-related conditions. For these reasons, this variant has been classified as Pathogenic.

Literature cited by the submitters: PubMed 23807571; PubMed 25614872.